The following is an entry in ClinVar:

NM_001148.6(ANK2):c.9400A>G (p.Ile3134Val)

Gene: ANK2 (ankyrin 2; plus strand). Cytogenetic location: 4q26.
Variant type: single nucleotide variant.
Coding change: c.9400A>G on transcript NM_001148.6 (MANE Select); coding-DNA position 9400, A replaced by G.
Protein change: p.Ile3134Val; replaces isoleucine 3134 with valine.
Molecular consequence: missense variant. On other transcripts: intron variant (68).
Genome position (GRCh38, 1-based): chr4:113,358,018, A>G. VCF-style: chr4-113358018-A-G. GRCh37 (hg19) VCF-style: chr4-114279174-A-G.
Other names: c.9166A>G, p.Ile3056Val (NM_001386142.1); c.5800A>G, p.Ile1934Val (NM_001386166.1); c.9541A>G, p.Ile3181Val (NM_001386174.1); c.9517A>G, p.Ile3173Val (NM_001386175.1); c.4412-2805A>G (NM_001386186.2, NM_001386148.2); c.4214-2805A>G (NM_001354269.3); c.4292-2805A>G (NM_001386187.2); c.4253-2805A>G (NM_001386147.1); and 35 more; short protein forms I3134V, I3181V, I3173V, I3056V, I1934V.
Identifiers: ClinVar variation 2965211 (VCV002965211.4), dbSNP rs1297470655, ClinGen allele CA357937350.
Genomic context (GRCh38, chr4:113,358,018, plus strand): 5'-AGTGGTGCCATTGATATGACCAAAAGGTCCTATGCAGATGAAAGTTTTCACTTTTTCCAA[A>G]TTGGTCAAGAATCCAGGGAAGAGACTCTCTCTGAAGATGTGAAAGAAGGGGCTACTGGGG-3'
Protein context (NP_001139.3, residues 3124-3144): YADESFHFFQ[Ile3134Val]GQESREETLS

ClinVar aggregate classification (germline): Conflicting classifications of pathogenicity. Review status: criteria provided, conflicting classifications (1 of 4 stars). 2 submissions from 2 submitters: Uncertain significance (1); Benign (1). Last evaluated 2026-08-08.

Conditions:
Long QT syndrome (LQTS). Identifiers: MedGen C0023976, MeSH D008133, MONDO:0002442. Disease mechanism: loss of function. Inheritance: Various modes of inheritance.
Cardiovascular phenotype. Identifiers: MedGen CN230736.

Allele frequency attached by ClinVar (database versions not stated): gnomAD exomes below 0.00001.
gnomAD v4.1: 2 of 1,614,020 alleles (0.00012%); highest among the groups gnomAD compares: Middle Eastern, 0.016%; no homozygotes.

Submissions (2):

Ambry Genetics
Classification: Uncertain significance for Cardiovascular phenotype. Last evaluated: 2026-08-08. Review status: criteria provided, single submitter. Criteria: Ambry Variant Classification Scheme 2023. Collection method: clinical testing. Allele origin: germline.
Comment: The p.I3134V variant (also known as c.9400A>G), located in coding exon 38 of the ANK2 gene, results from an A to G substitution at nucleotide position 9400. The isoleucine at codon 3134 is replaced by valine, an amino acid with highly similar properties. This amino acid position is conserved. In addition, the in silico prediction for this alteration is inconclusive. Based on the available evidence, the clinical significance of this variant remains unclear.

Labcorp Genetics (formerly Invitae), Labcorp
Classification: Benign for Long QT syndrome. Last evaluated: 2023-12-11. Review status: criteria provided, single submitter. Criteria: Invitae Variant Classification Sherloc (09022015). Collection method: clinical testing. Allele origin: germline.